The following is an entry in ClinVar:

ClinVar aggregate classification (germline): Uncertain significance (1 of 4 stars; one submission).

Allele frequency attached by ClinVar (database versions not stated): ExAC 0.00002; gnomAD exomes 0.00002; gnomAD 0.00006; ESP Exome Variant Server 0.00008.
gnomAD v4.1: 39 of 1,614,034 alleles (0.0024%); highest among the groups gnomAD compares: African/African-American, 0.02%; no homozygotes.

Submission:

Labcorp Genetics (formerly Invitae), Labcorp
Classification: Uncertain significance. Last evaluated: 2025-08-15. Review status: criteria provided, single submitter. Criteria: Invitae Variant Classification Sherloc (09022015). Collection method: clinical testing. Allele origin: germline.
Comment: This sequence change replaces alanine, which is neutral and non-polar, with valine, which is neutral and non-polar, at codon 437 of the TUBG1 protein (p.Ala437Val). This variant is present in population databases (rs375839941, gnomAD 0.01%). This variant has not been reported in the literature in individuals affected with TUBG1-related conditions. ClinVar contains an entry for this variant (Variation ID: 2420210). Invitae Evidence Modeling of protein sequence and biophysical properties (such as structural, functional, and spatial information, amino acid conservation, physicochemical variation, residue mobility, and thermodynamic stability) indicates that this missense variant is not expected to disrupt TUBG1 protein function with a negative predictive value of 80%. In summary, the available evidence is currently insufficient to determine the role of this variant in disease. Therefore, it has been classified as a Variant of Uncertain Significance.

NM_001070.5(TUBG1):c.1310C>T (p.Ala437Val)

Gene: TUBG1 (tubulin gamma 1; plus strand). Cytogenetic location: 17q21.2.
Variant type: single nucleotide variant.
Coding change: c.1310C>T on transcript NM_001070.5 (MANE Select); coding-DNA position 1310, C replaced by T.
Protein change: p.Ala437Val; replaces alanine 437 with valine.
Molecular consequence: missense variant.
Genome position (GRCh38, 1-based): chr17:42,614,995, C>T. VCF-style: chr17-42614995-C-T. GRCh37 (hg19) VCF-style: chr17-40767013-C-T.
Other names: short protein forms A437V.
Identifiers: ClinVar variation 2420210 (VCV002420210.6), dbSNP rs375839941, ClinGen allele CA8580103.
Genomic context (GRCh38, chr17:42,614,995, plus strand): 5'-ACTTTGATGAGATGGACACATCCAGGGAGATTGTGCAGCAGCTCATCGATGAGTACCATG[C>T]GGCCACACGGCCAGACTACATCTCCTGGGGCACCCAGGAGCAGTGAGTCCCCCAGGACAG-3'
Protein context (NP_001061.2, residues 427-447): IVQQLIDEYH[Ala437Val]ATRPDYISWG